The following is an entry in ClinVar:

ClinVar aggregate classification (germline): Likely pathogenic (1 of 4 stars; one submission).

Allele frequency attached by ClinVar (database versions not stated): gnomAD exomes 0.00001.
gnomAD v4.1: 13 of 1,613,708 alleles (0.00081%); highest among the groups gnomAD compares: Non-Finnish European, 0.001%; no homozygotes.

Submission:

Labcorp Genetics (formerly Invitae), Labcorp
Classification: Likely pathogenic. Last evaluated: 2025-06-04. Review status: criteria provided, single submitter. Criteria: Invitae Variant Classification Sherloc (09022015). Collection method: clinical testing. Allele origin: germline.
Comment: This sequence change affects an acceptor splice site in intron 8 of the TSEN2 gene. It is expected to disrupt RNA splicing. Variants that disrupt the donor or acceptor splice site typically lead to a loss of protein function (PMID: 16199547), and loss-of-function variants in TSEN2 are known to be pathogenic (PMID: 38438125, 20952379). This variant is not present in population databases (gnomAD no frequency). This variant has not been reported in the literature in individuals affected with TSEN2-related conditions. ClinVar contains an entry for this variant (Variation ID: 2067508). Algorithms developed to predict the effect of sequence changes on RNA splicing suggest that this variant may disrupt the consensus splice site. In summary, the currently available evidence indicates that the variant is pathogenic, but additional data are needed to prove that conclusively. Therefore, this variant has been classified as Likely Pathogenic.

Literature cited by the submitters: PubMed 16199547; PubMed 38438125; PubMed 20952379.

NM_025265.4(TSEN2):c.1100-2A>C

Gene: TSEN2 (tRNA splicing endonuclease subunit 2; plus strand). Cytogenetic location: 3p25.2.
Variant type: single nucleotide variant.
Coding change: c.1100-2A>C on transcript NM_025265.4 (MANE Select); the canonical splice acceptor site of the intron before coding-DNA position 1100, A replaced by C.
Molecular consequence: splice acceptor variant.
Genome position (GRCh38, 1-based): chr3:12,528,886, A>C. VCF-style: chr3-12528886-A-C. GRCh37 (hg19) VCF-style: chr3-12570385-A-C.
Other names: c.1100-2A>C (NM_001321278.2, NM_001145392.2, NM_001321277.2); c.1022-2A>C (NM_001321279.2, NM_001145393.3); c.923-2A>C (NM_001145394.2).
Identifiers: ClinVar variation 2067508 (VCV002067508.4), dbSNP rs764053163, ClinGen allele CA69597327.